The following is an entry in ClinVar:

NM_145207.3(AFG2A):c.747A>T (p.Arg249Ser)

Gene: AFG2A (AAA ATPase AFG2A; plus strand). Cytogenetic location: 4q28.1.
Variant type: single nucleotide variant.
Coding change: c.747A>T on transcript NM_145207.3 (MANE Select); coding-DNA position 747, A replaced by T.
Protein change: p.Arg249Ser; replaces arginine 249 with serine.
Molecular consequence: missense variant.
Genome position (GRCh38, 1-based): chr4:122,934,338, A>T. VCF-style: chr4-122934338-A-T. GRCh37 (hg19) VCF-style: chr4-123855493-A-T.
Other names: c.744A>T, p.Arg248Ser (NM_001317799.2, NM_001345856.2); short protein forms R248S, R249S.
Identifiers: ClinVar variation 3754502 (VCV003754502.2).

ClinVar aggregate classification (germline): Uncertain significance (1 of 4 stars; one submission).

Conditions:
Microcephaly-intellectual disability-sensorineural hearing loss-epilepsy-abnormal muscle tone syndrome (NEDHSB). Also called: NEURODEVELOPMENTAL DISORDER WITH HEARING LOSS, SEIZURES, AND BRAIN ABNORMALITIES. Identifiers: Orphanet 457351, MedGen C4225276, MONDO:0014698, OMIM 616577.

Submission:

Labcorp Genetics (formerly Invitae), Labcorp
Classification: Uncertain significance for Microcephaly-intellectual disability-sensorineural hearing loss-epilepsy-abnormal muscle tone syndrome. Last evaluated: 2024-10-17. Review status: criteria provided, single submitter. Criteria: Invitae Variant Classification Sherloc (09022015). Collection method: clinical testing. Allele origin: germline.
Comment: This sequence change replaces arginine, which is basic and polar, with serine, which is neutral and polar, at codon 249 of the SPATA5 protein (p.Arg249Ser). This variant is not present in population databases (gnomAD no frequency). This variant has not been reported in the literature in individuals affected with SPATA5-related conditions. Invitae Evidence Modeling of protein sequence and biophysical properties (such as structural, functional, and spatial information, amino acid conservation, physicochemical variation, residue mobility, and thermodynamic stability) indicates that this missense variant is not expected to disrupt SPATA5 protein function with a negative predictive value of 95%. In summary, the available evidence is currently insufficient to determine the role of this variant in disease. Therefore, it has been classified as a Variant of Uncertain Significance.